The following is an entry in ClinVar:

NM_000038.6(APC):c.5725A>G (p.Lys1909Glu)

Gene: APC (APC regulator of Wnt signaling pathway; plus strand). Cytogenetic location: 5q22.2.
Variant type: single nucleotide variant.
Coding change: c.5725A>G on transcript NM_000038.6 (MANE Select); coding-DNA position 5725, A replaced by G.
Protein change: p.Lys1909Glu; replaces lysine 1909 with glutamic acid.
Molecular consequence: missense variant.
Genome position (GRCh38, 1-based): chr5:112,841,319, A>G. VCF-style: chr5-112841319-A-G. GRCh37 (hg19) VCF-style: chr5-112177016-A-G.
Other names: c.5725A>G, p.Lys1909Glu (NM_001354895.2, NM_001127510.3); c.5602A>G, p.Lys1868Glu (NM_001354900.2); c.5779A>G, p.Lys1927Glu (NM_001354896.2); c.5641A>G, p.Lys1881Glu (NM_001354899.2); c.5755A>G, p.Lys1919Glu (NM_001354897.2); c.5650A>G, p.Lys1884Glu (NM_001354898.2); c.5671A>G, p.Lys1891Glu (NM_001127511.3); c.5548A>G, p.Lys1850Glu (NM_001354901.2); and 5 more; short protein forms K1891E, K1909E, K1626E, K1808E, K1818E, K1783E, K1850E, K1881E.
Identifiers: ClinVar variation 489472 (VCV000489472.14), dbSNP rs1554086925, ClinGen allele CA16033864.

ClinVar aggregate classification (germline): Uncertain significance. Review status: criteria provided, multiple submitters, no conflicts (2 of 4 stars). 2 submissions from 2 submitters: Uncertain significance (2). Last evaluated 2024-05-18.

Conditions:
Familial adenomatous polyposis 1 (FAP1). Also called: POLYPOSIS, ADENOMATOUS INTESTINAL; FAMILIAL ADENOMATOUS POLYPOSIS 1, ATTENUATED. Identifiers: MedGen C2713442, MONDO:0021056, OMIM 175100. Disease mechanism: loss of function.
Hereditary cancer-predisposing syndrome. Also called: Hereditary Cancer Syndrome; Neoplastic Syndromes, Hereditary; Tumor predisposition; Hereditary neoplastic syndrome. Identifiers: Orphanet 140162, MedGen C0027672, MeSH D009386, MONDO:0015356.

Submissions (2):

Labcorp Genetics (formerly Invitae), Labcorp
Classification: Uncertain significance for Familial adenomatous polyposis 1. Last evaluated: 2024-05-18. Review status: criteria provided, single submitter. Criteria: Invitae Variant Classification Sherloc (09022015). Collection method: clinical testing. Allele origin: germline.
Comment: This sequence change replaces lysine, which is basic and polar, with glutamic acid, which is acidic and polar, at codon 1909 of the APC protein (p.Lys1909Glu). This variant is not present in population databases (gnomAD no frequency). This variant has not been reported in the literature in individuals affected with APC-related conditions. ClinVar contains an entry for this variant (Variation ID: 489472). Advanced modeling of protein sequence and biophysical properties (such as structural, functional, and spatial information, amino acid conservation, physicochemical variation, residue mobility, and thermodynamic stability) performed at Invitae indicates that this missense variant is not expected to disrupt APC protein function with a negative predictive value of 95%. In summary, the available evidence is currently insufficient to determine the role of this variant in disease. Therefore, it has been classified as a Variant of Uncertain Significance.

Color Diagnostics, LLC DBA Color Health
Classification: Uncertain significance for Hereditary cancer-predisposing syndrome. Last evaluated: 2023-12-05. Review status: criteria provided, single submitter. Criteria: ACMG Guidelines, 2015. Collection method: clinical testing. Allele origin: germline.
Comment: This missense variant replaces lysine with glutamic acid at codon 1909 of the APC protein. Computational prediction suggests that this variant may not impact protein structure and function (internally defined REVEL score threshold <= 0.5, PMID: 27666373). To our knowledge, functional studies have not been reported for this variant. This variant has not been reported in individuals affected with APC-related disorders in the literature. This variant has not been identified in the general population by the Genome Aggregation Database (gnomAD). The available evidence is insufficient to determine the role of this variant in disease conclusively. Therefore, this variant is classified as a Variant of Uncertain Significance.